The following is an entry in ClinVar:

ClinVar aggregate classification (germline): Likely pathogenic (1 of 4 stars; one submission).

Conditions:
Granulomatous disease, chronic, X-linked. Also called: GRANULOMATOUS DISEASE, CHRONIC, X-LINKED, SOMATIC MOSAIC; CYTOCHROME b-NEGATIVE GRANULOMATOUS DISEASE, CHRONIC, X-LINKED. Identifiers: Orphanet 379, MedGen C1844376, MONDO:0010600, OMIM 306400.

Submission:

Labcorp Genetics (formerly Invitae), Labcorp
Classification: Likely pathogenic for Granulomatous disease, chronic, X-linked. Last evaluated: 2024-02-03. Review status: criteria provided, single submitter. Criteria: Invitae Variant Classification Sherloc (09022015). Collection method: clinical testing. Allele origin: germline.
Comment: This sequence change replaces threonine, which is neutral and polar, with proline, which is neutral and non-polar, at codon 343 of the CYBB protein (p.Thr343Pro). This variant is not present in population databases (gnomAD no frequency). This missense change has been observed in individuals with chronic granulomatous disease (PMID: 16569599, 20729109; Invitae). This variant is also known as 1041A>C (T343P). Advanced modeling of protein sequence and biophysical properties (such as structural, functional, and spatial information, amino acid conservation, physicochemical variation, residue mobility, and thermodynamic stability) performed at Invitae indicates that this missense variant is expected to disrupt CYBB protein function with a positive predictive value of 80%. This variant disrupts the p.Thr343 amino acid residue in CYBB. Other variant(s) that disrupt this residue have been observed in individuals with CYBB-related conditions (PMID: 16569599, 20729109, 33963972), which suggests that this may be a clinically significant amino acid residue. In summary, the currently available evidence indicates that the variant is pathogenic, but additional data are needed to prove that conclusively. Therefore, this variant has been classified as Likely Pathogenic.

Literature cited by the submitters: PubMed 16569599; PubMed 20729109; PubMed 33963972.

NM_000397.4(CYBB):c.1027A>C (p.Thr343Pro)

Gene: CYBB (cytochrome b-245 beta chain; plus strand). Cytogenetic location: Xp11.4.
Variant type: single nucleotide variant.
Coding change: c.1027A>C on transcript NM_000397.4 (MANE Select); coding-DNA position 1027, A replaced by C.
Protein change: p.Thr343Pro; replaces threonine 343 with proline.
Molecular consequence: missense variant.
Genome position (GRCh38, 1-based): chrX:37,804,006, A>C. VCF-style: chrX-37804006-A-C. GRCh37 (hg19) VCF-style: chrX-37663259-A-C.
Other names: short protein forms T343P.
Identifiers: ClinVar variation 3724207 (VCV003724207.2).
Genomic context (GRCh38, chrX:37,804,006, plus strand): 5'-CAATACATTTTTGTCAAGTGCCCAAAGGTGTCCAAGCTGGAGTGGCACCCTTTTACACTG[A>C]CATCCGCCCCTGAGGAAGACTTCTTTAGTATCCATATCCGCATCGTTGGGGACTGGACAG-3'
Protein context (NP_000388.2, residues 333-353): SKLEWHPFTL[Thr343Pro]SAPEEDFFSI